The following is an entry in ClinVar:

ClinVar aggregate classification (germline): Uncertain significance (1 of 4 stars; one submission).

Submission:

Labcorp Genetics (formerly Invitae), Labcorp
Classification: Uncertain significance. Last evaluated: 2024-04-10. Review status: criteria provided, single submitter. Criteria: Invitae Variant Classification Sherloc (09022015). Collection method: clinical testing. Allele origin: germline.
Comment: This sequence change replaces serine, which is neutral and polar, with proline, which is neutral and non-polar, at codon 1242 of the POLE protein (p.Ser1242Pro). This variant is not present in population databases (gnomAD no frequency). This variant has not been reported in the literature in individuals affected with POLE-related conditions. ClinVar contains an entry for this variant (Variation ID: 948375). Advanced modeling of protein sequence and biophysical properties (such as structural, functional, and spatial information, amino acid conservation, physicochemical variation, residue mobility, and thermodynamic stability) performed at Invitae indicates that this missense variant is not expected to disrupt POLE protein function with a negative predictive value of 80%. In summary, the available evidence is currently insufficient to determine the role of this variant in disease. Therefore, it has been classified as a Variant of Uncertain Significance.

NM_006231.4(POLE):c.3724T>C (p.Ser1242Pro)

Gene: POLE (DNA polymerase epsilon, catalytic subunit; minus strand). Cytogenetic location: 12q24.33.
Variant type: single nucleotide variant.
Coding change: c.3724T>C on transcript NM_006231.4 (MANE Select); coding-DNA position 3724, T replaced by C.
Protein change: p.Ser1242Pro; replaces serine 1242 with proline.
Molecular consequence: missense variant.
Genome position (GRCh38, 1-based): chr12:132,649,748, A>G on the plus strand (T>C on the coding strand, the complement: POLE is on the minus strand). VCF-style: chr12-132649748-A-G. GRCh37 (hg19) VCF-style: chr12-133226334-A-G.
Other names: short protein forms S1242P.
Identifiers: ClinVar variation 948375 (VCV000948375.9), dbSNP rs2042378606, ClinGen allele CA387386329.
Genomic context (GRCh38, chr12:132,649,748, plus strand): 5'-CCAGGGCGGGAGGCTGCCCCAAGATTTCCTGCCAGGGCACAGTCGGCGTGAGGTCCTGGG[A>G]CTCCTCCTGGCTCTCCCAAAGAACTCGCTTCCTCTTCACAGTGACAGGGGCTGCTGGGTG-3'
Protein context (NP_006222.2, residues 1232-1252): KRVLWESQEE[Ser1242Pro]QDLTPTVPWQ